The following is an entry in ClinVar:

NM_001379270.1(CNGA1):c.546-16_546-15insGCGTGAGCCACCGCGCCCGGCC

Genes: CNGA1 (cyclic nucleotide gated channel subunit alpha 1; minus strand), LOC101927157 (uncharacterized LOC101927157; plus strand). Cytogenetic location: 4p12.
Variant type: Insertion.
Coding change: c.546-16_546-15insGCGTGAGCCACCGCGCCCGGCC on transcript NM_001379270.1 (MANE Select); 16 bases into the intron before coding-DNA position 546 through 15 bases into the intron before coding-DNA position 546, GCGTGAGCCACCGCGCCCGGCC inserted.
Molecular consequence: intron variant.
Genome position: GRCh38 VCF-style: chr4-47940884-A-AGGCCGGGCGCGGTGGCTCACGC. GRCh37 (hg19) VCF-style: chr4-47942901-A-AGGCCGGGCGCGGTGGCTCACGC.
Other names: c.546-16_546-15insGCGTGAGCCACCGCGCCCGGCC (NM_000087.5, NM_001142564.2).
Identifiers: ClinVar variation 2025286 (VCV002025286.4), dbSNP rs1739034565, ClinGen allele CA2580071046.
Genomic context (GRCh38, chr4:47,940,884, plus strand): 5'-GAGCCAATATTCTAGGTAATCAGATTGAAGTTCATCAAAACATGCTCTATAAAAAAAGAA[A>AGGCCGGGCGCGGTGGCTCACGC]CACTTGTATAAATAAAAAAGAAATGGGGGCCAATTTAAGTAAAAGTTCTCTTTGTATATT-3'

ClinVar aggregate classification (germline): Uncertain significance (1 of 4 stars; one submission).

Submission:

Labcorp Genetics (formerly Invitae), Labcorp
Classification: Uncertain significance. Last evaluated: 2022-08-20. Review status: criteria provided, single submitter. Criteria: Invitae Variant Classification Sherloc (09022015). Collection method: clinical testing. Allele origin: germline.
Comment: This variant has not been reported in the literature in individuals affected with CNGA1-related conditions. In summary, the available evidence is currently insufficient to determine the role of this variant in disease. Therefore, it has been classified as a Variant of Uncertain Significance. Algorithms developed to predict the effect of sequence changes on RNA splicing suggest that this variant may disrupt the consensus splice site. This variant is not present in population databases (gnomAD no frequency). This sequence change falls in intron 9 of the CNGA1 gene. It does not directly change the encoded amino acid sequence of the CNGA1 protein.